The following is an entry in ClinVar:

NM_007294.4(BRCA1):c.122A>T (p.His41Leu)

Gene: BRCA1 (BRCA1 DNA repair associated; minus strand). Cytogenetic location: 17q21.31.
Variant type: single nucleotide variant.
Coding change: c.122A>T on transcript NM_007294.4 (MANE Select); coding-DNA position 122, A replaced by T.
Protein change: p.His41Leu; replaces histidine 41 with leucine.
Molecular consequence: missense variant. On other transcripts: non-coding transcript variant (1), intron variant (1).
Genome position (GRCh38, 1-based): chr17:43,115,738, T>A on the plus strand (A>T on the coding strand, the complement: BRCA1 is on the minus strand). VCF-style: chr17-43115738-T-A. GRCh37 (hg19) VCF-style: chr17-41267755-T-A.
Other names: NM_007294.4(BRCA1):c.122A>T; c.-67A>T (NM_001407571.1, NM_001407853.1, NM_001407879.1 and 52 more transcripts); c.122A>T, p.His41Leu (NM_001407581.1, NM_001407582.1, NM_001407583.1 and 192 more transcripts); c.-136A>T (NM_001407696.1, NM_001407724.1, NM_001407727.1 and 13 more transcripts); c.-20A>T (NM_001407697.1, NM_001407725.1, NM_001407728.1 and 47 more transcripts); c.-16A>T (NM_001407841.1); c.-183A>T (NM_001407889.1, NM_001407900.1, NM_001408492.1); c.-182A>T (NM_001407960.1, NM_001407962.1, NM_001408510.1 and 1 more transcripts); and 3 more; short protein forms H41L.
Identifiers: ClinVar variation 230862 (VCV000230862.32), dbSNP rs80357276, ClinGen allele CA10580711.

ClinVar aggregate classification (germline): Likely pathogenic. Review status: reviewed by expert panel (3 of 4 stars). 10 submissions from 9 submitters: Likely pathogenic (1). 9 of the submissions do not count toward it. Last evaluated 2025-05-23.

Conditions:
Hereditary breast ovarian cancer syndrome. Also called: Breast and ovarian cancer; Hereditary breast and ovarian cancer; Hereditary breast and ovarian cancer syndrome; Hereditary breast and/or ovarian cancer syndrome; BRCA1- and BRCA2-Associated Hereditary Breast and Ovarian Cancer; Hereditary breast and ovarian cancer syndrome (HBOC). Identifiers: Orphanet 145, MedGen C0677776, MeSH D061325, MONDO:0003582. Disease mechanism: loss of function.
Breast-ovarian cancer, familial, susceptibility to, 1 (BROVCA1). Also called: BRCA1 Hereditary Breast and Ovarian Cancer; OVARIAN CANCER, SUSCEPTIBILITY TO. Identifiers: Orphanet 145, MedGen C2676676, MONDO:0011450, OMIM 604370. Disease mechanism: loss of function.
Fanconi anemia, complementation group S (FANCS). Identifiers: MedGen C4554406, MONDO:0054748, OMIM 617883.
Hereditary cancer-predisposing syndrome. Also called: Tumor predisposition; Hereditary Cancer Syndrome; Neoplastic Syndromes, Hereditary; Hereditary neoplastic syndrome. Identifiers: Orphanet 140162, MedGen C0027672, MeSH D009386, MONDO:0015356.
BRCA1-related cancer predisposition. Identifiers: MedGen CN377757, MONDO:0700268.

Submissions 1 to 6 of 11:

ClinGen ENIGMA BRCA1 and BRCA2 Variant Curation Expert Panel, ClinGen
Classification: Likely pathogenic for BRCA1-related cancer predisposition. Last evaluated: 2025-05-23. Review status: reviewed by expert panel. Criteria: CSpec BRCA1/2ACMG Rules Specifications V1.2. Collection method: curation. Allele origin: germline. Inheritance: Autosomal dominant inheritance.
Comment: The c.122A>T variant in BRCA1 is a missense variant predicted to cause substitution of histidine by leucine at amino acid 41 (p.(His41Leu)). This BRCA1 missense variant is within a key functional domain and the computational predictor BayesDel (noAF) gives a score of 0.56, above the recommended threshold of 0.28 for prediction of impact on BRCA1 function via protein change. A SpliceAI score of 0.00 predicts no impact on splicing (score threshold ≤0.1). Reported by two calibrated studies to exhibit protein function similar to pathogenic control variants (PMID: 30209399, 35659930). Multifactorial likelihood ratio analysis using clinically calibrated data produced a combined LR for this variant of 0.78 (based on family history), which is above the ENIGMA BRCA1/2 VCEP threshold for BP5 (>0.48) and below PP4 (<2.08) (BP5 and PP4 not met; PMID: 31853058). This variant is absent from gnomAD v2.1 (exomes only, non-cancer subset, read depth ≥25) and gnomAD v3.1 (non-cancer subset, read depth ≥25). In summary, this variant meets the criteria to be classified as a Likely pathogenic variant for BRCA1-related cancer predisposition based on the ACMG/AMP criteria applied as specified by the ENIGMA BRCA1/2 VCEP (PP3, PS3, PM2_Supporting).

Labcorp Genetics (formerly Invitae), Labcorp
Classification: Pathogenic for Hereditary breast ovarian cancer syndrome. Last evaluated: 2026-01-31. Review status: criteria provided, single submitter. Criteria: Invitae Variant Classification Sherloc (09022015). Collection method: clinical testing. Allele origin: germline. Not counted in ClinVar's aggregate classification.
Comment: This sequence change replaces histidine, which is basic and polar, with leucine, which is neutral and non-polar, at codon 41 of the BRCA1 protein (p.His41Leu). This variant is not present in population databases (gnomAD no frequency). This missense change has been observed in individual(s) with breast cancer (PMID: 25186627). ClinVar contains an entry for this variant (Variation ID: 230862). Invitae Evidence Modeling incorporating data from in vitro experimental studies (PMID: 30209399) indicates that this missense variant is expected to disrupt BRCA1 function with a positive predictive value of 95%. Experimental studies have shown that this missense change affects BRCA1 function (PMID: 25823446, 30209399, 30219179). This variant disrupts the p.His41 amino acid residue in BRCA1. Other variant(s) that disrupt this residue have been determined to be pathogenic (PMID: 20103620, 21725363, 24489791, 25823446, 30209399). This suggests that this residue is clinically significant, and that variants that disrupt this residue are likely to be disease-causing. For these reasons, this variant has been classified as Pathogenic.

Ambry Genetics
Classification: Pathogenic for Hereditary cancer-predisposing syndrome. Last evaluated: 2025-10-22. Review status: criteria provided, single submitter. Criteria: Ambry Variant Classification Scheme 2023. Collection method: clinical testing. Allele origin: germline. Not counted in ClinVar's aggregate classification.
Comment: The p.H41L pathogenic mutation (also known as c.122A>T), located in coding exon 2 of the BRCA1 gene, results from an A to T substitution at nucleotide position 122. The histidine at codon 41 is replaced by leucine, an amino acid with similar properties. One functional study found that this nucleotide substitution is non-functional in a high-throughput, genome editing, haploid cell survival assay. (Findlay GM et al. Nature. 2018 10;562:217-222). Substitutions at this amino acid residue severely impact E3 ubiquitin ligase activity, however, they have minimal impact on BARD1 binding (Morris JR et al. Hum Mol Genet. 2006 Feb;15(4):599-606; Starita LM et al. Genetics. 2015 Jun;200:413-22). Several other substitutions at this amino acid position are pathogenic, including arginine and tyrosine (Ambry internal data; Morris JR et al. Hum. Mol. Genet. 2006 Feb; 15(4):599-606; Ransburgh DJ et al. Cancer Res. 2010 Feb; 70(3):988-95; Towler WI et al. Hum. Mutat. 2013 Mar; 34(3):439-45). This variant affects a known zinc binding motif which is predicted to disrupt protein folding (Ambry internal data; Brzovic PS et al. Nat. Struct. Biol. 2001 Oct;8:833-7; Brzovic PS et al. Proc. Natl. Acad. Sci. U.S.A., 2003 May;100:5646-51). This variant is considered to be rare based on population cohorts in the Genome Aggregation Database (gnomAD). This amino acid position is highly conserved in available vertebrate species. In addition, this alteration is predicted to be deleterious by in silico analysis. Based on the supporting evidence, this alteration is interpreted as a disease-causing mutation.

Women's Health and Genetics/Laboratory Corporation of America, LabCorp
Classification: Pathogenic for Hereditary breast ovarian cancer syndrome. Last evaluated: 2023-01-30. Review status: criteria provided, single submitter. Criteria: LabCorp Variant Classification Summary - May 2015. Collection method: clinical testing. Allele origin: germline. Not counted in ClinVar's aggregate classification.
Comment: Variant summary: BRCA1 c.122A>T (p.His41Leu) results in a non-conservative amino acid change in the encoded protein sequence. Five of five in-silico tools predict a damaging effect of the variant on protein function. The variant was absent in 250784 control chromosomes. c.122A>T has been reported in the literature in individuals affected with Hereditary Breast And Ovarian Cancer Syndrome (Tung_2014, Herzog_2021). These data indicate that the variant is likely to be associated with disease. At least one functional study reports experimental evidence evaluating an impact on protein function and showed a damaging effect of this variant on homology directed repair (HDR) activity (e.g. Findlay_2018). HDR assays qualify as a recognized gold standard on the basis of updated guidance provided by the ClinGen Sequence Variant Interpretation (SVI) working group. Other variants impacting the same codon have been classified as pathogenic by our lab (p.His41Arg). Seven clinical diagnostic laboratories have submitted clinical-significance assessments for this variant to ClinVar after 2014 without evidence for independent evaluation. Multiple laboratories reported the variant with conflicting assessments (5 likely pathogenic/pathogenic, 2 VUS). Based on the evidence outlined above, the variant was classified as pathogenic.

Baylor Genetics
Classification: Likely pathogenic for Breast-ovarian cancer, familial, susceptibility to, 1. Last evaluated: 2022-10-17. Review status: criteria provided, single submitter. Criteria: ACMG Guidelines, 2015. Collection method: clinical testing. Allele origin: unknown. Not counted in ClinVar's aggregate classification.

Quest Diagnostics Nichols Institute San Juan Capistrano
Classification: Pathogenic. Last evaluated: 2022-01-03. Review status: criteria provided, single submitter. Criteria: Quest Diagnostics criteria. Collection method: clinical testing. Allele origin: unknown. Not counted in ClinVar's aggregate classification.
Comment: This variant has not been reported in large, multi-ethnic general populations. Functional studies have shown that this variant causes loss of DNA repair activity and reduced cellular survival (PMID: 30209399 (2018), 30219179 (2018)), as well as reduced E3 ligase activity (PMID: 25823446 (2015)). Based on the available information, this variant is classified as pathogenic.